The following is an entry in ClinVar:

NM_006662.3(SRCAP):c.6973G>A (p.Glu2325Lys)

Gene: SRCAP (Snf2 related CREBBP activator protein; plus strand). Cytogenetic location: 16p11.2.
Variant type: single nucleotide variant.
Coding change: c.6973G>A on transcript NM_006662.3 (MANE Select); coding-DNA position 6973, G replaced by A.
Protein change: p.Glu2325Lys; replaces glutamic acid 2325 with lysine.
Molecular consequence: missense variant.
Genome position (GRCh38, 1-based): chr16:30,736,589, G>A. VCF-style: chr16-30736589-G-A. GRCh37 (hg19) VCF-style: chr16-30747910-G-A.
Other names: short protein forms E2325K.
Identifiers: ClinVar variation 3766200 (VCV003766200.1).
Genomic context (GRCh38, chr16:30,736,589, plus strand): 5'-TCCTCCTTGCAGCTGACCCCCATTGAGCGCTATGCCATGAAATTCCTGGAGGCCTCACTG[G>A]AGGAGGTGAGCCGAGAGGAGCTCAAACAGGCAGAAGTGAGTATTTCCAGGGGTGGGGCTG-3'
Protein context (NP_006653.2, residues 2315-2335): YAMKFLEASL[Glu2325Lys]EVSREELKQA

ClinVar aggregate classification (germline): Uncertain significance (1 of 4 stars; one submission).

Submission:

GeneDx
Classification: Uncertain significance. Last evaluated: 2024-08-28. Review status: criteria provided, single submitter. Criteria: GeneDx Variant Classification Process June 2021. Collection method: clinical testing. Allele origin: germline. Affected: yes.
Comment: Not observed at significant frequency in large population cohorts (gnomAD); In silico analysis indicates that this missense variant does not alter protein structure/function; Has not been previously published as pathogenic or benign to our knowledge